The following is an entry in ClinVar:

ClinVar aggregate classification (germline): Uncertain significance (1 of 4 stars; one submission).

gnomAD v4.1: 3 of 1,613,878 alleles (0.00019%); highest among the groups gnomAD compares: Non-Finnish European, 0.00017%; no homozygotes.

Submission:

Labcorp Genetics (formerly Invitae), Labcorp
Classification: Uncertain significance. Last evaluated: 2025-05-07. Review status: criteria provided, single submitter. Criteria: Invitae Variant Classification Sherloc (09022015). Collection method: clinical testing. Allele origin: germline.
Comment: This sequence change replaces leucine, which is neutral and non-polar, with phenylalanine, which is neutral and non-polar, at codon 2033 of the POLE protein (p.Leu2033Phe). This variant is not present in population databases (gnomAD no frequency). This variant has not been reported in the literature in individuals affected with POLE-related conditions. ClinVar contains an entry for this variant (Variation ID: 3665827). Invitae Evidence Modeling of protein sequence and biophysical properties (such as structural, functional, and spatial information, amino acid conservation, physicochemical variation, residue mobility, and thermodynamic stability) indicates that this missense variant is not expected to disrupt POLE protein function with a negative predictive value of 80%. In summary, the available evidence is currently insufficient to determine the role of this variant in disease. Therefore, it has been classified as a Variant of Uncertain Significance.

NM_006231.4(POLE):c.6097C>T (p.Leu2033Phe)

Gene: POLE (DNA polymerase epsilon, catalytic subunit; minus strand). Cytogenetic location: 12q24.33.
Variant type: single nucleotide variant.
Coding change: c.6097C>T on transcript NM_006231.4 (MANE Select); coding-DNA position 6097, C replaced by T.
Protein change: p.Leu2033Phe; replaces leucine 2033 with phenylalanine.
Molecular consequence: missense variant.
Genome position (GRCh38, 1-based): chr12:132,632,703, G>A on the plus strand (C>T on the coding strand, the complement: POLE is on the minus strand). VCF-style: chr12-132632703-G-A. GRCh37 (hg19) VCF-style: chr12-133209289-G-A.
Other names: short protein forms L2033F.
Identifiers: ClinVar variation 3665827 (VCV003665827.2).